The following is an entry in ClinVar:

ClinVar aggregate classification (germline): Uncertain significance. Review status: criteria provided, multiple submitters, no conflicts (2 of 4 stars). 2 submissions from 2 submitters: Uncertain significance (2). Last evaluated 2025-08-18.

Submissions (2):

Labcorp Genetics (formerly Invitae), Labcorp
Classification: Uncertain significance. Last evaluated: 2025-08-18. Review status: criteria provided, single submitter. Criteria: Invitae Variant Classification Sherloc (09022015). Collection method: clinical testing. Allele origin: germline.
Comment: This sequence change replaces histidine, which is basic and polar, with glutamine, which is neutral and polar, at codon 275 of the SLC9A7 protein (p.His275Gln). This variant is not present in population databases (gnomAD no frequency). This variant has not been reported in the literature in individuals affected with SLC9A7-related conditions. ClinVar contains an entry for this variant (Variation ID: 1308397). Experimental studies and prediction algorithms are not available or were not evaluated, and the functional significance of this variant is currently unknown. In summary, the available evidence is currently insufficient to determine the role of this variant in disease. Therefore, it has been classified as a Variant of Uncertain Significance.

GeneDx
Classification: Uncertain significance. Last evaluated: 2020-06-03. Review status: criteria provided, single submitter. Criteria: GeneDx Variant Classification Process June 2021. Collection method: clinical testing. Allele origin: germline. Affected: yes.
Comment: Has not been previously published as pathogenic or benign to our knowledge; Not observed in large population cohorts (Lek et al., 2016); In silico analysis supports that this missense variant has a deleterious effect on protein structure/function

NM_001257291.2(SLC9A7):c.825T>G (p.His275Gln)

Gene: SLC9A7 (solute carrier family 9 member A7; minus strand). Cytogenetic location: Xp11.3.
Variant type: single nucleotide variant.
Coding change: c.825T>G on transcript NM_001257291.2 (MANE Select); coding-DNA position 825, T replaced by G.
Protein change: p.His275Gln; replaces histidine 275 with glutamine.
Molecular consequence: missense variant.
Genome position (GRCh38, 1-based): chrX:46,662,612, A>C on the plus strand (T>G on the coding strand, the complement: SLC9A7 is on the minus strand). VCF-style: chrX-46662612-A-C. GRCh37 (hg19) VCF-style: chrX-46522047-A-C.
Other names: c.825T>G, p.His275Gln (NM_032591.3); short protein forms H275Q.
Identifiers: ClinVar variation 1308397 (VCV001308397.5), dbSNP rs1441028569, ClinGen allele CA413037411.